The following is an entry in ClinVar:

NM_000238.4(KCNH2):c.3107_3112dup (p.Gly1036_Asp1037dup)

Gene: KCNH2 (potassium voltage-gated channel subfamily H member 2; minus strand). Cytogenetic location: 7q36.1.
Variant type: Duplication.
Coding change: c.3107_3112dup on transcript NM_000238.4 (MANE Select); coding-DNA positions 3107 to 3112, 6 bases duplicated (GCGACG; older notation c.3107_3112dupGCGACG).
Protein change: p.Gly1036_Asp1037dup.
Molecular consequence: inframe insertion.
Genome position (GRCh38, 1-based): chr7:150,947,368-150,947,373, CGTCGC duplicated on the plus strand (GCGACG on the coding strand, the reverse complement: KCNH2 is on the minus strand); duplicating any 6 consecutive bases within chr7:150,947,368-150,947,374 gives the same sequence; the c. name uses the placement nearest the transcript's 3' end. VCF-style (leftmost placement, unchanged base first): chr7-150947367-A-ACGTCGC. GRCh37 (hg19) VCF-style: chr7-150644455-A-ACGTCGC.
Other names: c.2087_2092dup, p.Gly696_Asp697dup (NM_172057.3).
Identifiers: ClinVar variation 1014454 (VCV001014454.5), dbSNP rs1554424038, ClinGen allele CA579075354.

ClinVar aggregate classification (germline): Uncertain significance. Review status: criteria provided, multiple submitters, no conflicts (2 of 4 stars). 2 submissions from 2 submitters: Uncertain significance (2). Last evaluated 2024-02-14.

Conditions:
Cardiac arrhythmia. Also called: Cardiac rhythm disease; Arrhythmia. Identifiers: MedGen C0003811, MONDO:0007263, HP:0011675.
Long QT syndrome (LQTS). Identifiers: MedGen C0023976, MeSH D008133, MONDO:0002442. Disease mechanism: loss of function. Inheritance: Various modes of inheritance.

Submissions (2):

Color Diagnostics, LLC DBA Color Health
Classification: Uncertain significance for Cardiac arrhythmia. Last evaluated: 2024-02-14. Review status: criteria provided, single submitter. Criteria: ACMG Guidelines, 2015. Collection method: clinical testing. Allele origin: germline.
Comment: This variant causes an in-frame insertion of two amino acids at exon 13 of the KCNH2 protein. To our knowledge, functional studies have not been reported for this variant. This variant (also known as c.3112_3113insGCGACGp.D1037_V1038insGD) has been reported in one individual with suspected long QT syndrome (PMID: 27803431) who also harbored a different pathogenic KCNH2 variant. This variant has been identified in 2/144728 chromosomes in the general population by the Genome Aggregation Database (gnomAD). The available evidence is insufficient to determine the role of this variant in disease conclusively. Therefore, this variant is classified as a Variant of Uncertain Significance.

Labcorp Genetics (formerly Invitae), Labcorp
Classification: Uncertain significance for Long QT syndrome. Last evaluated: 2023-06-02. Review status: criteria provided, single submitter. Criteria: Invitae Variant Classification Sherloc (09022015). Collection method: clinical testing. Allele origin: germline.
Comment: This variant is also known as D1037_V1038insGD. This variant, c.3107_3112dup, results in the insertion of 2 amino acid(s) of the KCNH2 protein (p.Gly1036_Asp1037dup), but otherwise preserves the integrity of the reading frame. This variant is present in population databases (no rsID available, gnomAD 0.02%). This variant has been observed in individual(s) with clinical features of long QT syndrome (PMID: 27803431). ClinVar contains an entry for this variant (Variation ID: 1014454). Algorithms developed to predict the effect of variants on protein structure and function are not available or were not evaluated for this variant. Experimental studies have shown that this variant affects KCNH2 function (PMID: 27803431). In summary, the available evidence is currently insufficient to determine the role of this variant in disease. Therefore, it has been classified as a Variant of Uncertain Significance.

Literature cited by the submitters: PubMed 27803431 (cited by Color Diagnostics, LLC DBA Color Health and Labcorp Genetics (formerly Invitae), Labcorp).